The following is an entry in ClinVar:

ClinVar aggregate classification (germline): Uncertain significance (1 of 4 stars; one submission).

gnomAD v4.1: 4 of 1,613,820 alleles (0.00025%); highest among the groups gnomAD compares: Non-Finnish European, 0.00034%; no homozygotes.

Submission:

Ambry Genetics
Classification: Uncertain significance. Last evaluated: 2025-03-22. Review status: criteria provided, single submitter. Criteria: Ambry Variant Classification Scheme 2023. Collection method: clinical testing. Allele origin: germline.
Comment: The p.S612P variant (also known as c.1834T>C), located in coding exon 13 of the GEN1 gene, results from a T to C substitution at nucleotide position 1834. The serine at codon 612 is replaced by proline, an amino acid with similar properties. This amino acid position is conserved. In addition, this alteration is predicted to be tolerated by in silico analysis. Based on the available evidence, the clinical significance of this variant remains unclear.

NM_001130009.3(GEN1):c.1834T>C (p.Ser612Pro)

Gene: GEN1 (GEN1 Holliday junction 5' flap endonuclease; plus strand). Cytogenetic location: 2p24.2.
Variant type: single nucleotide variant.
Coding change: c.1834T>C on transcript NM_001130009.3 (MANE Select); coding-DNA position 1834, T replaced by C.
Protein change: p.Ser612Pro; replaces serine 612 with proline.
Molecular consequence: missense variant.
Genome position (GRCh38, 1-based): chr2:17,781,046, T>C. VCF-style: chr2-17781046-T-C. GRCh37 (hg19) VCF-style: chr2-17962313-T-C.
Other names: c.1834T>C, p.Ser612Pro (NM_182625.5); short protein forms S612P.
Identifiers: ClinVar variation 4029157 (VCV004029157.1).